The following is an entry in ClinVar:

ClinVar aggregate classification (germline): Uncertain significance (1 of 4 stars; one submission).

Conditions:
Primary open angle glaucoma (POAG). Also called: OPTN-related open angle glaucoma. Identifiers: MedGen C0339573, MONDO:0100553, OMIM 137760.
Glaucoma 1, open angle, E. Identifiers: MedGen C1842026, MONDO:0007665.
Amyotrophic lateral sclerosis type 12 (ALS12). Also called: AMYOTROPHIC LATERAL SCLEROSIS 12 WITH OR WITHOUT FRONTOTEMPORAL DEMENTIA. Identifiers: Orphanet 803, MedGen C3150692, MONDO:0013264, OMIM 613435.

Submission:

Labcorp Genetics (formerly Invitae), Labcorp
Classification: Uncertain significance for Primary open angle glaucoma; Glaucoma 1, open angle, E; Amyotrophic lateral sclerosis type 12. Last evaluated: 2022-10-19. Review status: criteria provided, single submitter. Criteria: Invitae Variant Classification Sherloc (09022015). Collection method: clinical testing. Allele origin: germline.
Comment: This sequence change replaces phenylalanine, which is neutral and non-polar, with cysteine, which is neutral and slightly polar, at codon 85 of the OPTN protein (p.Phe85Cys). This variant is not present in population databases (gnomAD no frequency). This variant has not been reported in the literature in individuals affected with OPTN-related conditions. Advanced modeling of protein sequence and biophysical properties (such as structural, functional, and spatial information, amino acid conservation, physicochemical variation, residue mobility, and thermodynamic stability) performed at Invitae indicates that this missense variant is not expected to disrupt OPTN protein function. In summary, the available evidence is currently insufficient to determine the role of this variant in disease. Therefore, it has been classified as a Variant of Uncertain Significance.

NM_001008212.2(OPTN):c.254T>G (p.Phe85Cys)

Genes: OPTN (optineurin; plus strand), LOC108903148 (10p13 OPTN distal Alu-mediated recombination region; plus strand). Cytogenetic location: 10p13.
Variant type: single nucleotide variant.
Coding change: c.254T>G on transcript NM_001008212.2 (MANE Select); coding-DNA position 254, T replaced by G.
Protein change: p.Phe85Cys; replaces phenylalanine 85 with cysteine.
Molecular consequence: missense variant.
Genome position (GRCh38, 1-based): chr10:13,110,361, T>G. VCF-style: chr10-13110361-T-G. GRCh37 (hg19) VCF-style: chr10-13152361-T-G.
Other names: c.254T>G, p.Phe85Cys (NM_001008211.1, NM_001008213.1, NM_021980.4); short protein forms F85C.
Identifiers: ClinVar variation 1959773 (VCV001959773.5), dbSNP rs2539036344, ClinGen allele CA376027500.